The following is an entry in ClinVar:

ClinVar aggregate classification (germline): Likely benign. Review status: criteria provided, multiple submitters, no conflicts (2 of 4 stars). 3 submissions from 3 submitters: Likely benign (2). 1 of the submissions does not count toward it. Last evaluated 2022-02-10.

Conditions:
PRKN-related disorder. Also called: PRKN-related condition.

Allele frequency attached by ClinVar (database versions not stated): ExAC 0.00003; gnomAD exomes 0.00003 and 0.00005; gnomAD 0.00005 and 0.00006; TOPMed 0.00005; ESP Exome Variant Server 0.00015.
gnomAD v4.1: 80 of 1,613,902 alleles (0.005%); highest among the groups gnomAD compares: Middle Eastern, 0.016%; no homozygotes.

Submissions (3):

Labcorp Genetics (formerly Invitae), Labcorp
Classification: Likely benign. Last evaluated: 2022-02-10. Review status: criteria provided, single submitter. Criteria: Invitae Variant Classification Sherloc (09022015). Collection method: clinical testing. Allele origin: germline.

Breakthrough Genomics
Classification: Likely benign. Review status: criteria provided, single submitter. Criteria: ACMG Guidelines, 2015. Collection method: not provided. Allele origin: germline. Inheritance: Autosomal recessive inheritance. Affected: yes.

PreventionGenetics, part of Exact Sciences
Classification: Likely benign for PRKN-related condition. Last evaluated: 2024-02-15. Review status: no assertion criteria provided. Collection method: clinical testing. Allele origin: germline. Not counted in ClinVar's aggregate classification.
Comment: This variant is classified as likely benign based on ACMG/AMP sequence variant interpretation guidelines (Richards et al. 2015 PMID: 25741868, with internal and published modifications).

NM_004562.3(PRKN):c.51C>T (p.Val17=)

Gene: PRKN (parkin RBR E3 ubiquitin protein ligase; minus strand). Cytogenetic location: 6q26.
Variant type: single nucleotide variant.
Coding change: c.51C>T on transcript NM_004562.3 (MANE Select); coding-DNA position 51, C replaced by T.
Protein change: p.Val17=; no amino-acid change (valine 17 retained).
Molecular consequence: synonymous variant.
Genome position (GRCh38, 1-based): chr6:162,443,430, G>A on the plus strand (C>T on the coding strand, the complement: PRKN is on the minus strand). VCF-style: chr6-162443430-G-A. GRCh37 (hg19) VCF-style: chr6-162864462-G-A.
Other names: c.51C>T, p.Val17= (NM_013987.3, NM_013988.3); c.51C>T (NM_004562.2).
Identifiers: ClinVar variation 1128762 (VCV001128762.12), dbSNP rs148302761, ClinGen allele CA4090525.